The following is an entry in ClinVar:

NM_000400.4(ERCC2):c.680G>A (p.Arg227His)

Gene: ERCC2 (ERCC excision repair 2, TFIIH core complex helicase subunit; minus strand). Cytogenetic location: 19q13.32.
Variant type: single nucleotide variant.
Coding change: c.680G>A on transcript NM_000400.4 (MANE Select); coding-DNA position 680, G replaced by A.
Protein change: p.Arg227His; replaces arginine 227 with histidine.
Molecular consequence: missense variant.
Genome position (GRCh38, 1-based): chr19:45,364,462, C>T on the plus strand (G>A on the coding strand, the complement: ERCC2 is on the minus strand). VCF-style: chr19-45364462-C-T. GRCh37 (hg19) VCF-style: chr19-45867720-C-T.
Other names: c.608G>A, p.Arg203His (NM_001130867.2); short protein forms R227H, R203H.
Identifiers: ClinVar variation 2180323 (VCV002180323.1), dbSNP rs150708456, ClinGen allele CA9513685.

ClinVar aggregate classification (germline): Uncertain significance (1 of 4 stars; one submission).

Allele frequency attached by ClinVar (database versions not stated): ExAC 0.00002; gnomAD 0.00005; ESP Exome Variant Server 0.00008; TOPMed 0.00013.
gnomAD v4.1: 21 of 1,613,872 alleles (0.0013%); highest among the groups gnomAD compares: African/African-American, 0.016%; no homozygotes.

Submission:

Labcorp Genetics (formerly Invitae), Labcorp
Classification: Uncertain significance. Last evaluated: 2022-08-21. Review status: criteria provided, single submitter. Criteria: Invitae Variant Classification Sherloc (09022015). Collection method: clinical testing. Allele origin: germline.
Comment: This sequence change replaces arginine, which is basic and polar, with histidine, which is basic and polar, at codon 227 of the ERCC2 protein (p.Arg227His). This variant is present in population databases (rs150708456, gnomAD 0.008%). This variant has not been reported in the literature in individuals affected with ERCC2-related conditions. Algorithms developed to predict the effect of missense changes on protein structure and function are either unavailable or do not agree on the potential impact of this missense change (SIFT: "Deleterious"; PolyPhen-2: "Possibly Damaging"; Align-GVGD: "Class C0"). In summary, the available evidence is currently insufficient to determine the role of this variant in disease. Therefore, it has been classified as a Variant of Uncertain Significance.